The following is an entry in ClinVar:

ClinVar aggregate classification (germline): Uncertain significance. Review status: criteria provided, multiple submitters, no conflicts (2 of 4 stars). 2 submissions from 2 submitters: Uncertain significance (2). Last evaluated 2023-05-27.

Conditions:
Loeys-Dietz syndrome 2 (LDS2). Also called: TGFBR2-Related Loeys-Dietz Syndrome; AORTIC ANEURYSM, FAMILIAL THORACIC 3; MARFAN SYNDROME, TYPE II; Marfan syndrome, type 2 (formerly); Marfan Syndrome type 2; Marfan like connective tissue disorder. Identifiers: Orphanet 284973, Orphanet 558, MedGen C2674574, MONDO:0012427, OMIM 610168.

Allele frequency attached by ClinVar (database versions not stated): gnomAD exomes below 0.00001; ExAC 0.00001; gnomAD 0.00001; TOPMed 0.00001.
gnomAD v4.1: 4 of 1,613,758 alleles (0.00025%); highest among the groups gnomAD compares: Non-Finnish European, 0.00034%; no homozygotes.

Submissions (2):

Ambry Genetics
Classification: Uncertain significance. Last evaluated: 2023-05-27. Review status: criteria provided, single submitter. Criteria: Ambry Variant Classification Scheme 2023. Collection method: clinical testing. Allele origin: germline.
Comment: The p.K97E variant (also known as c.289A>G), located in coding exon 2 of the TMPO gene, results from an A to G substitution at nucleotide position 289. The lysine at codon 97 is replaced by glutamic acid, an amino acid with similar properties. This amino acid position is well conserved in available vertebrate species. In addition, the in silico prediction for this alteration is inconclusive. Since supporting evidence is limited at this time, the clinical significance of this alteration remains unclear.

Labcorp Genetics (formerly Invitae), Labcorp
Classification: Uncertain significance for Loeys-Dietz syndrome 2. Last evaluated: 2021-07-13. Review status: criteria provided, single submitter. Criteria: Invitae Variant Classification Sherloc (09022015). Collection method: clinical testing. Allele origin: germline.
Comment: This sequence change replaces lysine with glutamic acid at codon 97 of the TMPO protein (p.Lys97Glu). The lysine residue is highly conserved and there is a small physicochemical difference between lysine and glutamic acid. This variant is present in population databases (rs778356103, ExAC 0.001%). This variant has not been reported in the literature in individuals affected with TMPO-related conditions. ClinVar contains an entry for this variant (Variation ID: 518670). Algorithms developed to predict the effect of missense changes on protein structure and function are either unavailable or do not agree on the potential impact of this missense change (SIFT: "Tolerated"; PolyPhen-2: "Probably Damaging"; Align-GVGD: "Class C0"). In summary, the available evidence is currently insufficient to determine the role of this variant in disease. Therefore, it has been classified as a Variant of Uncertain Significance.

NM_001032283.3(TMPO):c.289A>G (p.Lys97Glu)

Gene: TMPO (thymopoietin; plus strand). Cytogenetic location: 12q23.1.
Variant type: single nucleotide variant.
Coding change: c.289A>G on transcript NM_001032283.3 (MANE Select); coding-DNA position 289, A replaced by G.
Protein change: p.Lys97Glu; replaces lysine 97 with glutamic acid.
Molecular consequence: missense variant.
Genome position (GRCh38, 1-based): chr12:98,527,895, A>G. VCF-style: chr12-98527895-A-G. GRCh37 (hg19) VCF-style: chr12-98921673-A-G.
Other names: c.289A>G, p.Lys97Glu (NM_001032284.3, NM_001307975.2, NM_003276.2); short protein forms K97E.
Identifiers: ClinVar variation 518670 (VCV000518670.14), dbSNP rs778356103, ClinGen allele CA6732165.